The following is an entry in ClinVar:

NM_004183.4(BEST1):c.11C>T (p.Thr4Ile)

Gene: BEST1 (bestrophin 1; plus strand). Cytogenetic location: 11q12.3.
Variant type: single nucleotide variant.
Coding change: c.11C>T on transcript NM_004183.4 (MANE Select); coding-DNA position 11, C replaced by T.
Protein change: p.Thr4Ile; replaces threonine 4 with isoleucine.
Molecular consequence: missense variant. On other transcripts: non-coding transcript variant (1), intron variant (6).
Genome position (GRCh38, 1-based): chr11:61,951,817, C>T. VCF-style: chr11-61951817-C-T. GRCh37 (hg19) VCF-style: chr11-61719289-C-T.
Other names: c.11C>T, p.Thr4Ile (NM_001363592.2, NM_001440571.1, NM_001440572.1 and 1 more transcripts); c.-29+1390C>T (NM_001139443.3, NM_001300787.2, NM_001440574.1 and 3 more transcripts); short protein forms T4I.
Identifiers: ClinVar variation 870721 (VCV000870721.49), dbSNP rs368383940, ClinGen allele CA380830876.

ClinVar aggregate classification (germline): Pathogenic/Likely pathogenic. Review status: criteria provided, multiple submitters, no conflicts (2 of 4 stars). 3 submissions from 3 submitters: Pathogenic (2); Likely pathogenic (1). Last evaluated 2025-03-22.

Conditions:
Macular dystrophy. Identifiers: MedGen C0730292, HP:0007754.

Submissions (3):

Labcorp Genetics (formerly Invitae), Labcorp
Classification: Pathogenic. Last evaluated: 2025-03-22. Review status: criteria provided, single submitter. Criteria: Invitae Variant Classification Sherloc (09022015). Collection method: clinical testing. Allele origin: germline.
Comment: This sequence change replaces threonine, which is neutral and polar, with isoleucine, which is neutral and non-polar, at codon 4 of the BEST1 protein (p.Thr4Ile). This variant is not present in population databases (gnomAD no frequency). This missense change has been observed in individuals with autosomal dominant Best vitelliform macular dystrophy (PMID: 21273940, 25489231, 31570112). ClinVar contains an entry for this variant (Variation ID: 870721). Invitae Evidence Modeling of protein sequence and biophysical properties (such as structural, functional, and spatial information, amino acid conservation, physicochemical variation, residue mobility, and thermodynamic stability) indicates that this missense variant is expected to disrupt BEST1 protein function with a positive predictive value of 95%. For these reasons, this variant has been classified as Pathogenic.

Dubai Health Genomic Medicine Center, Dubai Health
Classification: Likely pathogenic for Macular dystrophy. Last evaluated: 2024-10-04. Review status: criteria provided, single submitter. Criteria: ACMG Guidelines, 2015. Collection method: research. Allele origin: germline. Affected: yes.
Comment: PS4,PM2,PP3,PM1

CeGaT Center for Human Genetics Tuebingen
Classification: Pathogenic. Last evaluated: 2018-06-01. Review status: criteria provided, single submitter. Criteria: CeGaT Center For Human Genetics Tuebingen Variant Classification Criteria Version 2. Collection method: clinical testing. Allele origin: germline. Affected: yes. Observed: 1 variant allele.

Literature cited by the submitters: PubMed 21273940 (cited by Labcorp Genetics (formerly Invitae), Labcorp); PubMed 25489231 (cited by Labcorp Genetics (formerly Invitae), Labcorp); PubMed 31570112 (cited by Labcorp Genetics (formerly Invitae), Labcorp).